The following is an entry in ClinVar:

NM_003978.5(PSTPIP1):c.-171A>T

Gene: PSTPIP1 (proline-serine-threonine phosphatase interacting protein 1; plus strand). Cytogenetic location: 15q24.3.
Variant type: single nucleotide variant.
Coding change: c.-171A>T on transcript NM_003978.5 (MANE Select); 171 bases upstream of the start codon, A replaced by T.
Molecular consequence: 5 prime UTR variant. On other transcripts: non-coding transcript variant (1), splice acceptor variant (1).
Genome position (GRCh38, 1-based): chr15:76,995,403, A>T. VCF-style: chr15-76995403-A-T. GRCh37 (hg19) VCF-style: chr15-77287744-A-T.
Other names: c.-171A>T (NM_001321135.2, NM_001411086.1); c.-417A>T (NM_001321136.2); c.27-2A>T (NM_001321137.1).
Identifiers: ClinVar variation 317167 (VCV000317167.5), dbSNP rs546291000, ClinGen allele CA7675597.
Genomic context (GRCh38, chr15:76,995,403, plus strand): 5'-TCCTCATTTTGCTGCTGATTCTAGCCCCAAACAAAACAGGTTGAGCTTTTTCCTCCCCTC[A>T]GAAGCTCCTCTCTGGCTCGTGGCTGCCTTCTGAGTGTTGCAGACGGCGCCGGCCGGGAAG-3'

ClinVar aggregate classification (germline): Benign (1 of 4 stars; one submission).

Conditions:
Pyogenic arthritis-pyoderma gangrenosum-acne syndrome (PAPA). Also called: FAMILIAL RECURRENT ARTHRITIS; PAPA SYNDROME. Identifiers: Orphanet 69126, MedGen C1858361, MONDO:0011462, OMIM 604416.

Allele frequency attached by ClinVar (database versions not stated): gnomAD below 0.00001 and 0.00007; TOPMed below 0.00001; gnomAD exomes 0.00014 and 0.00038; 1000 Genomes Project 30x 0.00016; 1000 Genomes Project 0.00020; ExAC 0.00071.
gnomAD v4.1: 196 of 1,463,650 alleles (0.013%); highest among the groups gnomAD compares: South Asian, 0.26%; 2 homozygotes.

Submission:

Illumina Laboratory Services, Illumina
Classification: Benign for Pyogenic arthritis-pyoderma gangrenosum-acne syndrome. Last evaluated: 2018-01-13. Review status: criteria provided, single submitter. Criteria: ICSL Variant Classification Criteria 13 December 2019. Collection method: clinical testing. Allele origin: germline.
Comment: This variant was observed in the ICSL laboratory as part of a predisposition screen in an ostensibly healthy population. It had not been previously curated by ICSL or reported in the Human Gene Mutation Database (HGMD: prior to June 1st, 2018), and was therefore a candidate for classification through an automated scoring system. Utilizing variant allele frequency, disease prevalence and penetrance estimates, and inheritance mode, an automated score was calculated to assess if this variant is too frequent to cause the disease. Based on the score and internal cut-off values, a variant classified as benign is not then subjected to further curation. The score for this variant resulted in a classification of benign for this disease.